The following is an entry in ClinVar:

NM_003118.4(SPARC):c.810C>T (p.Phe270=)

Genes: SPARC (secreted protein acidic and cysteine rich; minus strand), LOC126807556 (MED14-independent group 3 enhancer GRCh37_chr5:151042798-151043997; plus strand). Cytogenetic location: 5q33.1.
Variant type: single nucleotide variant.
Coding change: c.810C>T on transcript NM_003118.4 (MANE Select); coding-DNA position 810, C replaced by T.
Protein change: p.Phe270=; no amino-acid change (phenylalanine 270 retained).
Molecular consequence: synonymous variant.
Genome position (GRCh38, 1-based): chr5:151,664,160, G>A on the plus strand (C>T on the coding strand, the complement: SPARC is on the minus strand). VCF-style: chr5-151664160-G-A. GRCh37 (hg19) VCF-style: chr5-151043721-G-A.
Other names: p.Phe270=; c.807C>T, p.Phe269= (NM_001309443.2); c.810C>T, p.Phe270= (NM_001309444.2).
Identifiers: ClinVar variation 716022 (VCV000716022.14), dbSNP rs34827878, ClinGen allele CA3522568.

ClinVar aggregate classification (germline): Benign/Likely benign. Review status: criteria provided, multiple submitters, no conflicts (2 of 4 stars). 5 submissions from 5 submitters: Benign (1); Likely benign (4). Last evaluated 2026-02-04.

Allele frequency attached by ClinVar (database versions not stated): gnomAD exomes 0.00066; ExAC 0.00075; gnomAD 0.00236 and 0.00247; TOPMed 0.00277; ESP Exome Variant Server 0.00300; 1000 Genomes Project 30x 0.00406; 1000 Genomes Project 0.00439.
gnomAD v4.1: 733 of 1,614,154 alleles (0.045%); highest among the groups gnomAD compares: African/African-American, 0.85%; no homozygotes.

Submissions (5):

Labcorp Genetics (formerly Invitae), Labcorp
Classification: Benign. Last evaluated: 2026-02-04. Review status: criteria provided, single submitter. Criteria: Invitae Variant Classification Sherloc (09022015). Collection method: clinical testing. Allele origin: germline.

Mayo Clinic Laboratories, Mayo Clinic
Classification: Likely benign. Last evaluated: 2025-10-21. Review status: criteria provided, single submitter. Criteria: ACMG Guidelines, 2015. Collection method: clinical testing. Allele origin: germline. Observed: 1 variant allele.
Comment: BP4, BP7

Blueprint Genetics
Classification: Likely benign. Last evaluated: 2024-11-05. Review status: criteria provided, single submitter. Criteria: ACMG Guidelines, 2015. Collection method: clinical testing. Allele origin: germline.

GeneDx
Classification: Likely benign. Last evaluated: 2020-10-09. Review status: criteria provided, single submitter. Criteria: GeneDx Variant Classification Process June 2021. Collection method: clinical testing. Allele origin: germline. Affected: yes.

Breakthrough Genomics
Classification: Likely benign. Review status: criteria provided, single submitter. Criteria: ACMG Guidelines, 2015. Collection method: not provided. Allele origin: germline. Inheritance: Autosomal recessive inheritance. Affected: yes.